The following is an entry in ClinVar:

ClinVar aggregate classification (germline): Uncertain significance (1 of 4 stars; one submission).

Submission:

GeneDx
Classification: Uncertain significance. Last evaluated: 2024-12-01. Review status: criteria provided, single submitter. Criteria: GeneDx Variant Classification Process June 2021. Collection method: clinical testing. Allele origin: germline. Affected: yes.
Comment: Not observed at significant frequency in large population cohorts (gnomAD); Nonsense variant predicted to result in protein truncation or nonsense mediated decay in a gene or region of a gene for which loss of function is not a well-established mechanism of disease; Has not been previously published as pathogenic or benign to our knowledge

NM_152296.5(ATP1A3):c.2809C>T (p.Gln937Ter)

Gene: ATP1A3 (ATPase Na+/K+ transporting subunit alpha 3; minus strand). Cytogenetic location: 19q13.2.
Variant type: single nucleotide variant.
Coding change: c.2809C>T on transcript NM_152296.5 (MANE Select); coding-DNA position 2809, C replaced by T.
Protein change: p.Gln937Ter; replaces glutamine 937 with a stop codon.
Molecular consequence: nonsense.
Genome position (GRCh38, 1-based): chr19:41,968,795, G>A on the plus strand (C>T on the coding strand, the complement: ATP1A3 is on the minus strand). VCF-style: chr19-41968795-G-A. GRCh37 (hg19) VCF-style: chr19-42472947-G-A.
Other names: c.2842C>T, p.Gln948Ter (NM_001256213.2); c.2848C>T, p.Gln950Ter (NM_001256214.2); short protein forms Q937*, Q948*, Q950*.
Identifiers: ClinVar variation 3901588 (VCV003901588.1).